The following is an entry in ClinVar:

ClinVar aggregate classification (germline): Benign. Review status: criteria provided, multiple submitters, no conflicts (2 of 4 stars). 3 submissions from 3 submitters: Benign (3). Last evaluated 2018-06-24.

Conditions:
Autosomal dominant nonsyndromic hearing loss 4A. Also called: Deafness, autosomal dominant 4A. Identifiers: Orphanet 90635, MedGen C1833503, MONDO:0010915, OMIM 600652.

Allele frequency attached by ClinVar (database versions not stated): 1000 Genomes Project 30x 0.24500; 1000 Genomes Project 0.24800; TOPMed 0.32050; gnomAD 0.33211 and 0.33223; ExAC 0.36905; gnomAD exomes 0.37736 and 0.40771.
gnomAD v4.1: 403,544 of 1,020,802 alleles (40%); highest among the groups gnomAD compares: Non-Finnish European, 44%; 86,283 homozygotes.

Submissions (3):

GeneDx
Classification: Benign. Last evaluated: 2018-06-24. Review status: criteria provided, single submitter. Criteria: GeneDx Variant Classification Process June 2021. Collection method: clinical testing. Allele origin: germline. Affected: yes.

Illumina Laboratory Services, Illumina
Classification: Benign for Autosomal dominant nonsyndromic hearing loss 4A. Last evaluated: 2018-01-12. Review status: criteria provided, single submitter. Criteria: ICSL Variant Classification Criteria 13 December 2019. Collection method: clinical testing. Allele origin: germline.
Comment: This variant was observed in the ICSL laboratory as part of a predisposition screen in an ostensibly healthy population. It had not been previously curated by ICSL or reported in the Human Gene Mutation Database (HGMD: prior to June 1st, 2018), and was therefore a candidate for classification through an automated scoring system. Utilizing variant allele frequency, disease prevalence and penetrance estimates, and inheritance mode, an automated score was calculated to assess if this variant is too frequent to cause the disease. Based on the score and internal cut-off values, a variant classified as benign is not then subjected to further curation. The score for this variant resulted in a classification of benign for this disease.

Breakthrough Genomics
Classification: Benign. Review status: criteria provided, single submitter. Criteria: ACMG Guidelines, 2015. Collection method: not provided. Allele origin: germline. Inheritance: Autosomal dominant inheritance. Affected: yes.

NM_001145809.2(MYH14):c.*122A>C

Gene: MYH14 (myosin heavy chain 14; plus strand). Cytogenetic location: 19q13.33.
Variant type: single nucleotide variant.
Coding change: c.*122A>C on transcript NM_001145809.2 (MANE Select); 122 bases downstream of the stop codon, A replaced by C.
Molecular consequence: 3 prime UTR variant.
Genome position (GRCh38, 1-based): chr19:50,309,912, A>C. VCF-style: chr19-50309912-A-C. GRCh37 (hg19) VCF-style: chr19-50813169-A-C.
Other names: c.*122A>C (NM_001077186.2, NM_024729.4).
Identifiers: ClinVar variation 329955 (VCV000329955.8), dbSNP rs12978083, ClinGen allele CA9594020.
Genomic context (GRCh38, chr19:50,309,912, plus strand): 5'-ACGGGCCCCTGTCCCAGGAACCCCGCCCTCTGACTTCTTGCCCTTTGGAAATGGTGCAGC[A>C]CTCTGGCATTTATCACCCCCACCTGGGTCCCCTGCAACCTCCCATCAAAGGATGACCCCT-3'